The following is an entry in ClinVar:

NM_002241.5(KCNJ10):c.1061A>G (p.Lys354Arg)

Gene: KCNJ10 (potassium inwardly rectifying channel subfamily J member 10; minus strand). Cytogenetic location: 1q23.2.
Variant type: single nucleotide variant.
Coding change: c.1061A>G on transcript NM_002241.5 (MANE Select); coding-DNA position 1061, A replaced by G.
Protein change: p.Lys354Arg; replaces lysine 354 with arginine.
Molecular consequence: missense variant.
Genome position (GRCh38, 1-based): chr1:160,041,472, T>C on the plus strand (A>G on the coding strand, the complement: KCNJ10 is on the minus strand). VCF-style: chr1-160041472-T-C. GRCh37 (hg19) VCF-style: chr1-160011262-T-C.
Other names: p.K354R:AAG>AGG; p.Lys354Arg; short protein forms K354R.
Identifiers: ClinVar variation 205824 (VCV000205824.31), dbSNP rs142596580, ClinGen allele CA315275.
Genomic context (GRCh38, chr1:160,041,472, plus strand): 5'-ACACTAAGGGCACTGCCCTCCTTCTCAGCTTGCTCCCTTAATGACTCCTCCAACTTGAGC[T>C]TTTCAGGGTCTCCGTAGCGTACAGTGCTGTCACGGAGGCCACTAGGAGAGGCCACTTTCA-3'
Protein context (NP_002232.2, residues 344-364): DSTVRYGDPE[Lys354Arg]LKLEESLREQ

ClinVar aggregate classification (germline): Conflicting classifications of pathogenicity. Review status: criteria provided, conflicting classifications (1 of 4 stars). 12 submissions from 11 submitters: Uncertain significance (9); Likely benign (3). Last evaluated 2026-01-26.

Conditions:
KCNJ10-related disorder. Also called: KCNJ10-related condition; KCNJ10-related disorders. Identifiers: MedGen CN239321.
Inborn genetic diseases. Identifiers: MedGen C0950123, MeSH D030342.
EAST syndrome (SESAMES). Also called: SEIZURES, SENSORINEURAL DEAFNESS, ATAXIA, IMPAIRED INTELLECTUAL DEVELOPMENT, AND ELECTROLYTE IMBALANCE. Identifiers: Orphanet 199343, MedGen C2748572, MONDO:0013005, OMIM 612780.
Autosomal recessive nonsyndromic hearing loss 4 (DFNB4). Also called: Nonsyndromic enlarged vestibular aqueduct (NSEVA); Deafness, autosomal recessive 4, with enlarged vestibular aqueduct; Deafness, autosomal recessive 4; NEUROSENSORY NONSYNDROMIC RECESSIVE DEAFNESS 4; FOXI1-Related Pendred Syndrome; KCNJ10-Related Pendred Syndrome. Identifiers: Orphanet 90636, MedGen C3538946, MONDO:0010933, OMIM 600791.
Hearing loss, autosomal recessive. Also called: Rare autosomal recessive non-syndromic sensorineural deafness type DFNB; Deafness, autosomal recessive; Nonsyndromic Hearing Loss, Recessive; Autosomal recessive nonsyndromic deafness. Identifiers: Orphanet 90635, Orphanet 90636, MedGen C1846647, MONDO:0019588, OMIM 607197.

Allele frequency attached by ClinVar (database versions not stated): ExAC 0.00022; gnomAD exomes 0.00023 and 0.00046; gnomAD 0.00026 and 0.00029; TOPMed 0.00028; ESP Exome Variant Server 0.00062.
gnomAD v4.1: 708 of 1,614,010 alleles (0.044%); highest among the groups gnomAD compares: Non-Finnish European, 0.057%; no homozygotes.

Submissions (12):

Labcorp Genetics (formerly Invitae), Labcorp
Classification: Likely benign for EAST syndrome. Last evaluated: 2026-01-26. Review status: criteria provided, single submitter. Criteria: Invitae Variant Classification Sherloc (09022015). Collection method: clinical testing. Allele origin: germline.

GeneDx
Classification: Uncertain significance. Last evaluated: 2025-07-03. Review status: criteria provided, single submitter. Criteria: GeneDx Variant Classification Process June 2021. Collection method: clinical testing. Allele origin: germline. Affected: yes.
Comment: Observed with a second variant on the opposite allele (in trans) in a patient with Rett syndrome; however, evidence in support of pathogenicity for these variants was not provided in the report (PMID: 27171548); In silico analysis indicates that this missense variant does not alter protein structure/function; This variant is associated with the following publications: (PMID: 27171548)

PreventionGenetics, part of Exact Sciences
Classification: Likely benign for KCNJ10-related condition. Last evaluated: 2025-04-18. Review status: criteria provided, single submitter. Criteria: ACMG Guidelines, 2015. Collection method: clinical testing. Allele origin: germline.
Comment: This variant is classified as likely benign based on ACMG/AMP sequence variant interpretation guidelines (Richards et al. 2015 PMID: 25741868, with internal and published modifications).

Blueprint Genetics
Classification: Uncertain significance. Last evaluated: 2024-09-02. Review status: criteria provided, single submitter. Criteria: ACMG Guidelines, 2015. Collection method: clinical testing. Allele origin: germline.

Mayo Clinic Laboratories, Mayo Clinic
Classification: Uncertain significance. Last evaluated: 2024-06-18. Review status: criteria provided, single submitter. Criteria: ACMG Guidelines, 2015. Collection method: clinical testing. Allele origin: germline. Observed: 2 variant alleles.
Comment: BP5, PM2_supporting

Ambry Genetics
Classification: Likely benign for Inborn genetic diseases. Last evaluated: 2024-04-18. Review status: criteria provided, single submitter. Criteria: Ambry Variant Classification Scheme 2023. Collection method: clinical testing. Allele origin: germline.

Fulgent Genetics
Classification: Uncertain significance for Autosomal recessive nonsyndromic hearing loss 4; EAST syndrome. Last evaluated: 2024-04-08. Review status: criteria provided, single submitter. Criteria: ACMG Guidelines, 2015. Collection method: clinical testing. Allele origin: germline.

Athena Diagnostics
Classification: Uncertain significance. Last evaluated: 2018-06-04. Review status: criteria provided, single submitter. Criteria: Athena Diagnostics Criteria. Collection method: clinical testing. Allele origin: germline.

Baylor Genetics
Classification: Uncertain significance for Autosomal recessive nonsyndromic hearing loss 4. Last evaluated: 2018-01-16. Review status: criteria provided, single submitter. Criteria: ACMG Guidelines, 2015. Collection method: clinical testing. Allele origin: maternal. Affected: yes.
Comment: This variant was determined to be of uncertain significance according to ACMG Guidelines, 2015 [PMID:25741868].

Illumina Laboratory Services, Illumina
Classification: Uncertain significance for Nonsyndromic Hearing Loss, Recessive. Last evaluated: 2017-04-28. Review status: criteria provided, single submitter. Criteria: ICSL Variant Classification Criteria 13 December 2019. Collection method: clinical testing. Allele origin: germline.

Illumina Laboratory Services, Illumina
Classification: Uncertain significance for EAST syndrome. Last evaluated: 2017-04-28. Review status: criteria provided, single submitter. Criteria: ICSL Variant Classification Criteria 13 December 2019. Collection method: clinical testing. Allele origin: germline.

Eurofins Ntd Llc (ga)
Classification: Uncertain significance. Last evaluated: 2015-11-16. Review status: criteria provided, single submitter. Criteria: EGL Classification Definitions 2015. Collection method: clinical testing. Allele origin: germline. Observed: 1 variant allele, 1 heterozygote.

Literature cited by the submitters: PubMed 27171548 (cited by Mayo Clinic Laboratories, Mayo Clinic and Athena Diagnostics).